The following is an entry in ClinVar:

NM_000130.5(F5):c.4972-5C>T

Gene: F5 (coagulation factor V; minus strand). Cytogenetic location: 1q24.2.
Variant type: single nucleotide variant.
Coding change: c.4972-5C>T on transcript NM_000130.5 (MANE Select); 5 bases into the intron before coding-DNA position 4972, C replaced by T.
Molecular consequence: intron variant.
Genome position (GRCh38, 1-based): chr1:169,531,027, G>A on the plus strand (C>T on the coding strand, the complement: F5 is on the minus strand). VCF-style: chr1-169531027-G-A. GRCh37 (hg19) VCF-style: chr1-169500265-G-A.
Identifiers: ClinVar variation 3778336 (VCV003778336.7).

ClinVar aggregate classification (germline): Uncertain significance (1 of 4 stars; one submission).

gnomAD v4.1: 1 of 1,597,436 alleles (0.000063%); highest among the groups gnomAD compares: Non-Finnish European, 0.000086%; no homozygotes.

Submission:

CeGaT Center for Human Genetics Tuebingen
Classification: Uncertain significance. Last evaluated: 2025-03-01. Review status: criteria provided, single submitter. Criteria: CeGaT Center For Human Genetics Tuebingen Variant Classification Criteria Version 2. Collection method: clinical testing. Allele origin: germline. Affected: yes. Observed: 1 variant allele.
Comment: F5: PM2, BP4